The following is an entry in ClinVar:

NM_003922.4(HERC1):c.13180A>G (p.Ile4394Val)

Gene: HERC1 (HECT and RLD domain containing E3 ubiquitin protein ligase family member 1; minus strand). Cytogenetic location: 15q22.31.
Variant type: single nucleotide variant.
Coding change: c.13180A>G on transcript NM_003922.4 (MANE Select); coding-DNA position 13180, A replaced by G.
Protein change: p.Ile4394Val; replaces isoleucine 4394 with valine.
Molecular consequence: missense variant.
Genome position (GRCh38, 1-based): chr15:63,626,080, T>C on the plus strand (A>G on the coding strand, the complement: HERC1 is on the minus strand). VCF-style: chr15-63626080-T-C. GRCh37 (hg19) VCF-style: chr15-63918279-T-C.
Other names: short protein forms I4394V.
Identifiers: ClinVar variation 785495 (VCV000785495.15), dbSNP rs2228516, ClinGen allele CA7603800.

ClinVar aggregate classification (germline): Benign/Likely benign. Review status: criteria provided, multiple submitters, no conflicts (2 of 4 stars). 3 submissions from 3 submitters: Benign (1); Likely benign (2). Last evaluated 2025-12-30.

Allele frequency attached by ClinVar (database versions not stated): gnomAD exomes 0.00090 and 0.00238; ExAC 0.00311; gnomAD 0.00971 and 0.01040; 1000 Genomes Project 0.00978; 1000 Genomes Project 30x 0.00999; ESP Exome Variant Server 0.01027; TOPMed 0.01105.
gnomAD v4.1: 2,833 of 1,613,750 alleles (0.18%); highest among the groups gnomAD compares: African/African-American, 3.4%; 47 homozygotes.

Submissions (3):

Labcorp Genetics (formerly Invitae), Labcorp
Classification: Benign. Last evaluated: 2025-12-30. Review status: criteria provided, single submitter. Criteria: Invitae Variant Classification Sherloc (09022015). Collection method: clinical testing. Allele origin: germline.

GeneDx
Classification: Likely benign. Last evaluated: 2023-07-13. Review status: criteria provided, single submitter. Criteria: GeneDx Variant Classification Process June 2021. Collection method: clinical testing. Allele origin: germline. Affected: yes.
Comment: See Variant Classification Assertion Criteria.

Breakthrough Genomics
Classification: Likely benign. Review status: criteria provided, single submitter. Criteria: ACMG Guidelines, 2015. Collection method: not provided. Allele origin: germline. Inheritance: Autosomal recessive inheritance. Affected: yes.